The following is an entry in ClinVar:

NM_004360.5(CDH1):c.1965del (p.Met656fs)

Gene: CDH1 (cadherin 1; plus strand). Cytogenetic location: 16q22.1.
Variant type: Deletion.
Coding change: c.1965del on transcript NM_004360.5 (MANE Select); coding-DNA position 1965, one base deleted (G; older notation c.1965delG).
Protein change: p.Met656fs; shifts the reading frame from methionine 656.
Molecular consequence: frameshift variant. On other transcripts: 5 prime UTR variant (1).
Genome position (GRCh38, 1-based): chr16:68,823,427, G deleted. VCF-style (leftmost placement, unchanged base first): chr16-68823426-AG-A. GRCh37 (hg19) VCF-style: chr16-68857329-AG-A.
Other names: c.1782del, p.Met595fs (NM_001317184.2); c.417del, p.Met140fs (NM_001317185.2); c.-1del (NM_001317186.2); short protein forms M140fs, M595fs, M656fs.
Identifiers: ClinVar variation 2502986 (VCV002502986.1), dbSNP rs2543945245, ClinGen allele CA2580612881.
Genomic context (GRCh38, chr16:68,823,426, plus strand): 5'-GGTCTCATCATTTCTTTTTATTGCTTTCTCCAGCCCAAGAATCTATCATTTTGAAGCCAA[AG>A]ATGGCCTTAGAGGTGGGTGACTACAAAATCAATCTCAAGCTCATGGATAACCAGAATAAA-3'

ClinVar aggregate classification (germline): Pathogenic (1 of 4 stars; one submission).

Conditions:
Hereditary diffuse gastric adenocarcinoma (HDGC). Also called: DIFFUSE GASTRIC AND LOBULAR BREAST CANCER SYNDROME. Identifiers: Orphanet 26106, MedGen C1708349, MONDO:0007648, OMIM 137215.

Submission:

European Reference Network on Genetic Tumour Risk Syndromes (ERN-GENTURIS), i3s - Instituto de Investigação e Inovação em Saúde, University of Porto
Classification: Pathogenic for Hereditary diffuse gastric adenocarcinoma. Last evaluated: 2022-08-01. Review status: criteria provided, single submitter. Criteria: Lee et al. (Hum Mutat. 2018). Collection method: clinical testing. Allele origin: germline. Inheritance: Autosomal dominant inheritance. Affected: yes. Study: ERN GENTURIS.
Comment: PVS1; PS4_Supporting; PM2 (PMID: 30311375)

Literature cited by the submitters: PubMed 36436516.